The following is an entry in ClinVar:

ClinVar aggregate classification (germline): Conflicting classifications of pathogenicity. Review status: criteria provided, conflicting classifications (1 of 4 stars). 14 submissions from 14 submitters: Uncertain significance (1); Benign (2); Likely benign (6). 5 of the submissions do not count toward it. Last evaluated 2026-02-03.

Conditions:
Hereditary cancer-predisposing syndrome. Also called: Tumor predisposition; Hereditary neoplastic syndrome; Hereditary Cancer Syndrome; Neoplastic Syndromes, Hereditary. Identifiers: Orphanet 140162, MedGen C0027672, MeSH D009386, MONDO:0015356.
BRCA1-related disorder. Also called: BRCA1-related condition.
Breast and/or ovarian cancer. Identifiers: MedGen CN221562.
Hereditary breast ovarian cancer syndrome. Also called: Hereditary breast and/or ovarian cancer syndrome; Breast and ovarian cancer; Hereditary breast and ovarian cancer syndrome; Hereditary breast and ovarian cancer; Hereditary breast and ovarian cancer syndrome (HBOC); BRCA1- and BRCA2-Associated Hereditary Breast and Ovarian Cancer. Identifiers: Orphanet 145, MedGen C0677776, MeSH D061325, MONDO:0003582. Disease mechanism: loss of function.
Breast-ovarian cancer, familial, susceptibility to, 1 (BROVCA1). Also called: BRCA1 Hereditary Breast and Ovarian Cancer; OVARIAN CANCER, SUSCEPTIBILITY TO. Identifiers: Orphanet 145, MedGen C2676676, MONDO:0011450, OMIM 604370. Disease mechanism: loss of function.
Malignant tumor of breast. Also called: Malignant breast neoplasm; Cancer breast. Identifiers: MedGen C0006142, MONDO:0007254. Disease mechanism: loss of function.

Allele frequency attached by ClinVar (database versions not stated): gnomAD 0.00001 and 0.00003; ExAC 0.00002; gnomAD exomes 0.00002; TOPMed 0.00002.
gnomAD v4.1: 28 of 1,611,644 alleles (0.0017%); highest among the groups gnomAD compares: Admixed American, 0.0033%; no homozygotes.

Submissions (15):

Labcorp Genetics (formerly Invitae), Labcorp
Classification: Benign for Hereditary breast ovarian cancer syndrome. Last evaluated: 2026-02-03. Review status: criteria provided, single submitter. Criteria: Invitae Variant Classification Sherloc (09022015). Collection method: clinical testing. Allele origin: germline.

All of Us Research Program, National Institutes of Health
Classification: Likely benign for Breast-ovarian cancer, familial, susceptibility to, 1. Last evaluated: 2023-12-01. Review status: criteria provided, single submitter. Criteria: ACMG Guidelines, 2015. Collection method: clinical testing. Allele origin: germline. Inheritance: Autosomal dominant inheritance. Observed: 6 variant alleles, 6 heterozygotes.
Comment: This study involves interpretation of variants in research participants for the purpose of population health screening. Participant phenotype was not available at the time of variant classification. Additional details can be found in publication PMID: 35346344, PMCID: PMC8962531

CHEO Genetics Diagnostic Laboratory, Children's Hospital of Eastern Ontario
Classification: Likely benign for Breast and/or ovarian cancer. Last evaluated: 2021-11-26. Review status: criteria provided, single submitter. Criteria: ACMG Guidelines, 2015. Collection method: clinical testing. Allele origin: germline.

Mendelics
Classification: Likely benign for Breast-ovarian cancer, familial, susceptibility to, 1. Last evaluated: 2019-05-28. Review status: criteria provided, single submitter. Criteria: Mendelics Assertion Criteria 2017. Collection method: clinical testing. Allele origin: unknown.

Quest Diagnostics Nichols Institute San Juan Capistrano
Classification: Likely benign. Last evaluated: 2019-02-04. Review status: criteria provided, single submitter. Criteria: Quest Diagnostics criteria. Collection method: clinical testing. Allele origin: germline.

Illumina Laboratory Services, Illumina
Classification: Uncertain significance for Breast-ovarian cancer, familial, susceptibility to, 1. Last evaluated: 2018-01-15. Review status: criteria provided, single submitter. Criteria: ICSL Variant Classification Criteria 13 December 2019. Collection method: clinical testing. Allele origin: germline.

Color Diagnostics, LLC DBA Color Health
Classification: Likely benign for Hereditary cancer-predisposing syndrome. Last evaluated: 2017-11-12. Review status: criteria provided, single submitter. Criteria: ACMG Guidelines, 2015. Collection method: clinical testing. Allele origin: germline.

Women's Health and Genetics/Laboratory Corporation of America, LabCorp
Classification: Likely benign. Last evaluated: 2016-08-11. Review status: criteria provided, single submitter. Criteria: LabCorp Variant Classification Summary - May 2015. Collection method: clinical testing. Allele origin: germline.
Comment: Variant summary: The BRCA1 c.5333-8C>T variant involves the alteration of a non-conserved intronic nucleotide with 5/5 splice prediction tools predicting no significant impact on splicing or ESE binding, although these predictions have yet to be functionally assessed. The variant of interest was observed in the large, broad control population, ExAC, with an allele frequency of 2/120812 (1/60406), which does not exceed the estimated maximal expected allele frequency for a pathogenic BRCA1 variant of 1/1000. The variant of interest has been reported in affected individuals including one co-occurrence with a BRCA2 pathogenic variant, c.8537_8538delAG (p.Glu2846fsX22 - classified as pathogenic by LCA). In addition, multiple reputable clinical laboratories/databases and publications classify the variant as "likely benign/neutral." Therefore, taking all available lines of evidence into consideration, the variant of interest has been classified as likely benign until additional information becomes available.

GeneDx
Classification: Benign. Last evaluated: 2015-05-08. Review status: criteria provided, single submitter. Criteria: GeneDx Variant Classification Process June 2021. Collection method: clinical testing. Allele origin: germline. Affected: yes.
Comment: This variant is associated with the following publications: (PMID: 17924331, 21990134, 30209399)

PreventionGenetics, part of Exact Sciences
Classification: Likely benign for BRCA1-related condition. Last evaluated: 2020-11-24. Review status: no assertion criteria provided. Collection method: clinical testing. Allele origin: germline. Not counted in ClinVar's aggregate classification.
Comment: This variant is classified as likely benign based on ACMG/AMP sequence variant interpretation guidelines (Richards et al. 2015 PMID: 25741868, with internal and published modifications).

Hereditary Cancer Genetics group, Vall d'Hebron Institute of Oncology
Classification: Benign for Hereditary breast and ovarian cancer syndrome. Last evaluated: 2019-03-01. Review status: no assertion criteria provided. Collection method: research. Allele origin: germline. Affected: yes. Not counted in ClinVar's aggregate classification.

Sharing Clinical Reports Project (SCRP)
Classification: Likely benign for Breast-ovarian cancer, familial 1. Last evaluated: 2013-07-11. Review status: no assertion criteria provided. Collection method: clinical testing. Allele origin: germline. Not counted in ClinVar's aggregate classification.

Breast Cancer Information Core (BIC) (BRCA1)
Classification: Uncertain significance for Breast-ovarian cancer, familial 1. Last evaluated: 2004-02-20. Review status: no assertion criteria provided. Collection method: clinical testing. Allele origin: germline. Affected: yes. Observed: 3 variant alleles. Not counted in ClinVar's aggregate classification.

Brotman Baty Institute, University of Washington
No classification provided (evidence only). Condition: Breast-ovarian cancer, familial 1. Review status: no classification provided. Collection method: in vitro. Allele origin: not applicable. Functional consequence: functionally_normal. Not counted in ClinVar's aggregate classification.
ClinVar note: "not provided" was previously submitted as the classification for the variant. However, the classification appeared to be based only on an observation of functional data so it was converted to no classification on 2025-07-30.

Department of Pathology and Laboratory Medicine, Sinai Health System
Classification: Uncertain significance for Malignant tumor of breast. Review status: no assertion criteria provided. Collection method: clinical testing. Allele origin: unknown. Affected: yes. Study: The Canadian Open Genetics Repository (COGR). Not counted in ClinVar's aggregate classification.
Comment: The c.5333-8C>T variant has been reported in 1 of 256 chromosomes (frequency 0.002) from individuals with breast or ovarian cancer (Simard 2007); however, control chromosomes from healthy individuals were not evaluated in this study. This variant was identified in dbSNP (ID#rs80358084) â€šÃ„Ãºwith untested alleleâ€šÃ„Ã¹, in the UMD 1X as likely neutral, in the BIC database 3X as a variant of unknown clinical importance, and one in silico study classified it as neutral (Easton 2007). The c.5333-8C>T variant is located in the 3' splice region of intron 21 but does not affect the invariant -1 and -2 positions. However, positions -3 and -5 to -12 are part of the splicing consensus sequence and variants involving these positions sometimes affect splicing. In-silico or computational prediction software (SpliceSiteFinder, MaxEntScan, NNSPLICE, GeneSplicer, HumanSpliceFinder) did not predict a significant difference in splicing; however, this information is not predictive enough to rule out pathogenicity. In summary, based on the above information, the clinical significance of this variant cannot be determined with certainty at this time. Therefore, this variant is classified as a variant of unknown significance.

Literature cited by the submitters: PubMed 17924331 (cited by Quest Diagnostics Nichols Institute San Juan Capistrano and Women's Health and Genetics/Laboratory Corporation of America, LabCorp); PubMed 26913838 (cited by Quest Diagnostics Nichols Institute San Juan Capistrano); PubMed 21990134 (cited by Quest Diagnostics Nichols Institute San Juan Capistrano and Women's Health and Genetics/Laboratory Corporation of America, LabCorp); PubMed 27886673 (cited by Quest Diagnostics Nichols Institute San Juan Capistrano); PubMed 23683081 (cited by Quest Diagnostics Nichols Institute San Juan Capistrano and Women's Health and Genetics/Laboratory Corporation of America, LabCorp); PubMed 16905680 (cited by Quest Diagnostics Nichols Institute San Juan Capistrano and Women's Health and Genetics/Laboratory Corporation of America, LabCorp); PubMed 16267036 (cited by Quest Diagnostics Nichols Institute San Juan Capistrano and Women's Health and Genetics/Laboratory Corporation of America, LabCorp); PubMed 30472649 (cited by Hereditary Cancer Genetics group, Vall d'Hebron Institute of Oncology).

NM_007294.4(BRCA1):c.5333-8C>T

Gene: BRCA1 (BRCA1 DNA repair associated; minus strand). Cytogenetic location: 17q21.31.
Variant type: single nucleotide variant.
Coding change: c.5333-8C>T on transcript NM_007294.4 (MANE Select); 8 bases into the intron before coding-DNA position 5333, C replaced by T.
Molecular consequence: intron variant.
Genome position (GRCh38, 1-based): chr17:43,049,202, G>A on the plus strand (C>T on the coding strand, the complement: BRCA1 is on the minus strand). VCF-style: chr17-43049202-G-A. GRCh37 (hg19) VCF-style: chr17-41201219-G-A.
Other names: IVS21-8C>T; c.2024-8C>T (NM_001407974.1, NM_001407973.1, NM_001407975.1 and 3 more transcripts); c.2726-8C>T (NM_001407969.1); c.2729-8C>T (NM_001407968.1); c.5327-8C>T (NM_001407640.1, NM_001407631.1, NM_001407638.1 and 13 more transcripts); c.5330-8C>T (NM_001407626.1, NM_001407617.1, NM_001407622.1 and 14 more transcripts); c.5255-8C>T (NM_001407652.1, NM_001407653.1, NM_001407655.1 and 1 more transcripts); c.5333-1499C>T (NM_001407854.1); and 85 more.
Identifiers: ClinVar variation 125831 (VCV000125831.35), dbSNP rs80358084, ClinGen allele CA003502.